The following is an entry in ClinVar:

ClinVar aggregate classification (germline): Benign (1 of 4 stars; one submission).

Conditions:
MELAS syndrome (MELAS). Also called: Juvenile myopathy, encephalopathy, lactic acidosis, stroke. Identifiers: Orphanet 550, MedGen C0162671, MONDO:0010789, OMIM 540000.

Submission:

Wong Mito Lab, Molecular and Human Genetics, Baylor College of Medicine
Classification: Benign for MELAS syndrome. Last evaluated: 2019-07-12. Review status: criteria provided, single submitter. Criteria: Modified ACMG Guidelines (Unpublished). Collection method: clinical testing. Allele origin: germline.
Comment: The NC_012920.1:m.1670A>T variant in MT-TV gene is interpreted to be a Benign variant based on the modified ACMG guidelines (unpublished). This variant meets the following evidence codes reported in the guidelines: BS1, BS4, BP4

Literature cited by the submitters: PubMed 31965079.

NC_012920.1(MT-TV):m.1670A>T

Gene: MT-TV (mitochondrially encoded tRNA valine; plus strand).
Variant type: single nucleotide variant.
Genome position: chrM-1670-A-T.
Identifiers: ClinVar variation 689854 (VCV000689854.1), dbSNP rs1603218611, ClinGen allele CA913163482.